The following is an entry in ClinVar:

NM_005228.5(EGFR):c.1700T>A (p.Met567Lys)

Gene: EGFR (epidermal growth factor receptor; plus strand). Cytogenetic location: 7p11.2.
Variant type: single nucleotide variant.
Coding change: c.1700T>A on transcript NM_005228.5 (MANE Select); coding-DNA position 1700, T replaced by A.
Protein change: p.Met567Lys; replaces methionine 567 with lysine.
Molecular consequence: missense variant.
Genome position (GRCh38, 1-based): chr7:55,163,801, T>A. VCF-style: chr7-55163801-T-A. GRCh37 (hg19) VCF-style: chr7-55231494-T-A.
Other names: c.1700T>A (NM_005228.3); c.1565T>A, p.Met522Lys (NM_001346897.2, NM_001346899.2); c.1700T>A, p.Met567Lys (NM_001346898.2, NM_201282.2, NM_201284.2); c.1541T>A, p.Met514Lys (NM_001346900.2); c.899T>A, p.Met300Lys (NM_001346941.2); short protein forms M567K, M300K, M514K, M522K.
Identifiers: ClinVar variation 1440052 (VCV001440052.7), dbSNP rs2128944771, ClinGen allele CA367580551.
Genomic context (GRCh38, chr7:55,163,801, plus strand): 5'-GGGAGTTTGTGGAGAACTCTGAGTGCATACAGTGCCACCCAGAGTGCCTGCCTCAGGCCA[T>A]GAACATCACCTGCACAGGACGGGTAAGAGCCCCTTGCTGCTATCCACGTCCATTTCATGG-3'
Protein context (NP_005219.2, residues 557-577): QCHPECLPQA[Met567Lys]NITCTGRGPD

ClinVar aggregate classification (germline): Uncertain significance. Review status: criteria provided, multiple submitters, no conflicts (2 of 4 stars). 2 submissions from 2 submitters: Uncertain significance (2). Last evaluated 2025-01-09.

Conditions:
Hereditary cancer-predisposing syndrome. Also called: Neoplastic Syndromes, Hereditary; Hereditary Cancer Syndrome; Hereditary neoplastic syndrome; Tumor predisposition. Identifiers: Orphanet 140162, MedGen C0027672, MeSH D009386, MONDO:0015356.
EGFR-related lung cancer (EGFR). Identifiers: MedGen CN130014.

Submissions (2):

Ambry Genetics
Classification: Uncertain significance for Hereditary cancer-predisposing syndrome. Last evaluated: 2025-01-09. Review status: criteria provided, single submitter. Criteria: Ambry Variant Classification Scheme 2023. Collection method: clinical testing. Allele origin: germline.
Comment: The p.M567K variant (also known as c.1700T>A), located in coding exon 14 of the EGFR gene, results from a T to A substitution at nucleotide position 1700. The methionine at codon 567 is replaced by lysine, an amino acid with similar properties. This amino acid position is conserved. In addition, this alteration is predicted to be tolerated by in silico analysis. Based on the available evidence, the clinical significance of this variant remains unclear.

Labcorp Genetics (formerly Invitae), Labcorp
Classification: Uncertain significance for EGFR-related lung cancer. Last evaluated: 2021-10-06. Review status: criteria provided, single submitter. Criteria: Invitae Variant Classification Sherloc (09022015). Collection method: clinical testing. Allele origin: germline.
Comment: In summary, the available evidence is currently insufficient to determine the role of this variant in disease. Therefore, it has been classified as a Variant of Uncertain Significance. Algorithms developed to predict the effect of missense changes on protein structure and function output the following: SIFT: "Tolerated"; PolyPhen-2: "Benign"; Align-GVGD: "Class C0". The lysine amino acid residue is found in multiple mammalian species, which suggests that this missense change does not adversely affect protein function. This variant has not been reported in the literature in individuals affected with EGFR-related conditions. This variant is not present in population databases (ExAC no frequency). This sequence change replaces methionine with lysine at codon 567 of the EGFR protein (p.Met567Lys). The methionine residue is weakly conserved and there is a moderate physicochemical difference between methionine and lysine.